The following is an entry in ClinVar:

NM_138420.4(AHNAK2):c.8778A>G (p.Lys2926=)

Gene: AHNAK2 (AHNAK nucleoprotein 2; minus strand). Cytogenetic location: 14q32.33.
Variant type: single nucleotide variant.
Coding change: c.8778A>G on transcript NM_138420.4 (MANE Select); coding-DNA position 8778, A replaced by G.
Protein change: p.Lys2926=; no amino-acid change (lysine 2926 retained).
Molecular consequence: synonymous variant.
Genome position (GRCh38, 1-based): chr14:104,946,673, T>C on the plus strand (A>G on the coding strand, the complement: AHNAK2 is on the minus strand). VCF-style: chr14-104946673-T-C. GRCh37 (hg19) VCF-style: chr14-105413010-T-C.
Other names: c.8478A>G, p.Lys2826= (NM_001350929.2).
Identifiers: ClinVar variation 3239160 (VCV003239160.19), dbSNP rs1289374926.

ClinVar aggregate classification (germline): Likely benign (1 of 4 stars; one submission).

Allele frequency attached by ClinVar (database versions not stated): gnomAD exomes 0.00001.

Submission:

CeGaT Center for Human Genetics Tuebingen
Classification: Likely benign. Last evaluated: 2026-05-01. Review status: criteria provided, single submitter. Criteria: CeGaT Center For Human Genetics Tuebingen Variant Classification Criteria Version 2. Collection method: clinical testing. Allele origin: germline. Affected: yes. Observed: 2 variant alleles.
Comment: AHNAK2: BP4, BP7